The following is an entry in ClinVar:

ClinVar aggregate classification (germline): Uncertain significance (1 of 4 stars; one submission).

Conditions:
Cone dystrophy with supernormal rod response (CDSRR). Also called: CONE DYSTROPHY WITH SUPERNORMAL ROD RESPONSES. Identifiers: Orphanet 209932, MedGen C1835897, MONDO:0012475, OMIM 610356.

Allele frequency attached by ClinVar (database versions not stated): ExAC 0.00001.

Submission:

Ocular Genomics Institute, Massachusetts Eye and Ear
Classification: Uncertain significance for Cone dystrophy with supernormal rod response. Last evaluated: 2021-04-08. Review status: criteria provided, single submitter. Criteria: ACMG Guidelines, 2015. Collection method: research. Allele origin: germline. Affected: yes.
Comment: Through a review of available evidence we were able to apply the following criteria: PM2, PM3. Based on this evidence we have classified this variant as Variant of Uncertain Significance.

NM_133497.4(KCNV2):c.364C>G (p.Arg122Gly)

Gene: KCNV2 (potassium voltage-gated channel modifier subfamily V member 2; plus strand). Cytogenetic location: 9p24.2.
Variant type: single nucleotide variant.
Coding change: c.364C>G on transcript NM_133497.4 (MANE Select); coding-DNA position 364, C replaced by G.
Protein change: p.Arg122Gly; replaces arginine 122 with glycine.
Molecular consequence: missense variant.
Genome position (GRCh38, 1-based): chr9:2,718,103, C>G. VCF-style: chr9-2718103-C-G. GRCh37 (hg19) VCF-style: chr9-2718103-C-G.
Other names: short protein forms R122G.
Identifiers: ClinVar variation 1065780 (VCV001065780.1), dbSNP rs761130319, ClinGen allele CA4965425.
Genomic context (GRCh38, chr9:2,718,103, plus strand): 5'-AACGTGGGTGGCCACAGCTACCAGCTGGACTACTGCGAGCTGGCCGGCTTCCCCAAGACG[C>G]GCCTAGGTCGCCTGGCCACCTCCACCAGCCGCAGCCGCCAGCTAAGCCTGTGCGACGACT-3'
Protein context (NP_598004.1, residues 112-132): YCELAGFPKT[Arg122Gly]LGRLATSTSR